The following is an entry in ClinVar:

NM_000384.3(APOB):c.8611A>G (p.Asn2871Asp)

Gene: APOB (apolipoprotein B; minus strand). Cytogenetic location: 2p24.1.
Variant type: single nucleotide variant.
Coding change: c.8611A>G on transcript NM_000384.3 (MANE Select); coding-DNA position 8611, A replaced by G.
Protein change: p.Asn2871Asp; replaces asparagine 2871 with aspartic acid.
Molecular consequence: missense variant.
Genome position (GRCh38, 1-based): chr2:21,008,257, T>C on the plus strand (A>G on the coding strand, the complement: APOB is on the minus strand). VCF-style: chr2-21008257-T-C. GRCh37 (hg19) VCF-style: chr2-21231129-T-C.
Other names: short protein forms N2871D.
Identifiers: ClinVar variation 3885293 (VCV003885293.1).
Genomic context (GRCh38, chr2:21,008,257, plus strand): 5'-GGAAGTATTTAGTGTTGCTATCCAGGGTAAGCTGATTGTTTATCTTGACAATCACTCCAT[T>C]ACTAAGCTCCAGTGTATTTTTTTCTGTGTGTAAACTTGCCACTGTGTTTGATTTTCCCTC-3'
Protein context (NP_000375.3, residues 2861-2881): HTEKNTLELS[Asn2871Asp]GVIVKINNQL

ClinVar aggregate classification (germline): Uncertain significance (1 of 4 stars; one submission).

Conditions:
Cardiovascular phenotype. Identifiers: MedGen CN230736.

Submission:

Ambry Genetics
Classification: Uncertain significance for Cardiovascular phenotype. Last evaluated: 2025-02-15. Review status: criteria provided, single submitter. Criteria: Ambry Variant Classification Scheme 2023. Collection method: clinical testing. Allele origin: germline.
Comment: The p.N2871D variant (also known as c.8611A>G), located in coding exon 26 of the APOB gene, results from an A to G substitution at nucleotide position 8611. The asparagine at codon 2871 is replaced by aspartic acid, an amino acid with highly similar properties. This amino acid position is conserved. In addition, this alteration is predicted to be tolerated by in silico analysis. Based on the available evidence, the clinical significance of this variant remains unclear.